The following is an entry in ClinVar:

NM_176824.3(BBS7):c.650C>T (p.Ala217Val)

Gene: BBS7 (Bardet-Biedl syndrome 7; minus strand). Cytogenetic location: 4q27.
Variant type: single nucleotide variant.
Coding change: c.650C>T on transcript NM_176824.3 (MANE Select); coding-DNA position 650, C replaced by T.
Protein change: p.Ala217Val; replaces alanine 217 with valine.
Molecular consequence: missense variant.
Genome position (GRCh38, 1-based): chr4:121,854,772, G>A on the plus strand (C>T on the coding strand, the complement: BBS7 is on the minus strand). VCF-style: chr4-121854772-G-A. GRCh37 (hg19) VCF-style: chr4-122775927-G-A.
Other names: c.650C>T, p.Ala217Val (NM_018190.4); short protein forms A217V.
Identifiers: ClinVar variation 1315298 (VCV001315298.6), dbSNP rs370510563, ClinGen allele CA3064443.

ClinVar aggregate classification (germline): Uncertain significance. Review status: criteria provided, multiple submitters, no conflicts (2 of 4 stars). 5 submissions from 5 submitters: Uncertain significance (5). Last evaluated 2026-05-26.

Conditions:
Bardet-Biedl syndrome (BBS). Identifiers: Orphanet 110, MedGen C0752166, MONDO:0015229.
Inborn genetic diseases. Identifiers: MedGen C0950123, MeSH D030342.
BBS7-related disorder. Also called: BBS7-related condition.
Bardet-Biedl syndrome 7 (BBS7). Identifiers: Orphanet 110, MedGen C1859565, MONDO:0014435, OMIM 615984.

Allele frequency attached by ClinVar (database versions not stated): gnomAD 0.00001; ESP Exome Variant Server 0.00008.
gnomAD v4.1: 15 of 1,612,368 alleles (0.00093%); highest among the groups gnomAD compares: African/African-American, 0.0027%; no homozygotes.

Submissions (5):

PreventionGenetics, part of Exact Sciences
Classification: Uncertain significance for BBS7-related condition. Last evaluated: 2026-05-26. Review status: criteria provided, single submitter. Criteria: ACMG Guidelines, 2015. Collection method: clinical testing. Allele origin: germline.
Comment: The BBS7 c.650C>T variant is predicted to result in the amino acid substitution p.Ala217Val. To our knowledge, this variant has not been reported in the literature. This variant is reported in 0.012% of alleles in individuals of African descent in gnomAD. At this time, the clinical significance of this variant is uncertain due to the absence of conclusive functional and genetic evidence.

Ambry Genetics
Classification: Uncertain significance for Inborn genetic diseases. Last evaluated: 2025-09-25. Review status: criteria provided, single submitter. Criteria: Ambry Variant Classification Scheme 2023. Collection method: clinical testing. Allele origin: germline.

Fulgent Genetics
Classification: Uncertain significance for Bardet-Biedl syndrome 7. Last evaluated: 2022-04-16. Review status: criteria provided, single submitter. Criteria: ACMG Guidelines, 2015. Collection method: clinical testing. Allele origin: unknown.

Labcorp Genetics (formerly Invitae), Labcorp
Classification: Uncertain significance for Bardet-Biedl syndrome. Last evaluated: 2022-03-13. Review status: criteria provided, single submitter. Criteria: Invitae Variant Classification Sherloc (09022015). Collection method: clinical testing. Allele origin: germline.
Comment: This sequence change replaces alanine, which is neutral and non-polar, with valine, which is neutral and non-polar, at codon 217 of the BBS7 protein (p.Ala217Val). This variant is present in population databases (rs370510563, gnomAD 0.01%). This variant has not been reported in the literature in individuals affected with BBS7-related conditions. ClinVar contains an entry for this variant (Variation ID: 1315298). Algorithms developed to predict the effect of missense changes on protein structure and function are either unavailable or do not agree on the potential impact of this missense change (SIFT: "Deleterious"; PolyPhen-2: "Benign"; Align-GVGD: "Class C0"). In summary, the available evidence is currently insufficient to determine the role of this variant in disease. Therefore, it has been classified as a Variant of Uncertain Significance.

GeneDx
Classification: Uncertain significance. Last evaluated: 2020-02-03. Review status: criteria provided, single submitter. Criteria: GeneDx Variant Classification Process June 2021. Collection method: clinical testing. Allele origin: germline. Affected: yes.
Comment: In silico analysis supports that this missense variant does not alter protein structure/function; In-silico analysis, which includes splice predictors and evolutionary conservation, is inconclusive as to whether the variant alters gene splicing. In the absence of RNA/functional studies, the actual effect of this sequence change is unknown.; Has not been previously published as pathogenic or benign to our knowledge